The following is an entry in ClinVar:

NM_130384.3(ATRIP):c.491T>C (p.Phe164Ser)

Genes: ATRIP (ATR interacting protein; plus strand), ATRIP-TREX1 (ATRIP-TREX1 readthrough; plus strand). Cytogenetic location: 3p21.31.
Variant type: single nucleotide variant.
Coding change: c.491T>C on transcript NM_130384.3 (MANE Select); coding-DNA position 491, T replaced by C.
Protein change: p.Phe164Ser; replaces phenylalanine 164 with serine.
Molecular consequence: missense variant. On other transcripts: non-coding transcript variant (1).
Genome position (GRCh38, 1-based): chr3:48,451,838, T>C. VCF-style: chr3-48451838-T-C. GRCh37 (hg19) VCF-style: chr3-48493244-T-C.
Other names: c.110T>C, p.Phe37Ser (NM_001271022.2); c.212T>C, p.Phe71Ser (NM_001271023.2); c.491T>C, p.Phe164Ser (NM_032166.4); short protein forms F164S, F37S, F71S.
Identifiers: ClinVar variation 3975926 (VCV003975926.1).

ClinVar aggregate classification (germline): Uncertain significance (1 of 4 stars; one submission).

Submission:

Ambry Genetics
Classification: Uncertain significance. Last evaluated: 2025-04-01. Review status: criteria provided, single submitter. Criteria: Ambry Variant Classification Scheme 2023. Collection method: clinical testing. Allele origin: germline.
Comment: The p.F164S variant (also known as c.491T>C), located in coding exon 3 of the ATRIP gene, results from a T to C substitution at nucleotide position 491. The phenylalanine at codon 164 is replaced by serine, an amino acid with highly dissimilar properties. This amino acid position is conserved. In addition, the in silico prediction for this alteration is inconclusive. Based on the available evidence, the clinical significance of this variant remains unclear.